The following is an entry in ClinVar:

NM_001379081.2(FREM1):c.3331C>T (p.His1111Tyr)

Gene: FREM1 (FRAS1 related extracellular matrix 1; minus strand). Cytogenetic location: 9p22.3.
Variant type: single nucleotide variant.
Coding change: c.3331C>T on transcript NM_001379081.2 (MANE Select); coding-DNA position 3331, C replaced by T.
Protein change: p.His1111Tyr; replaces histidine 1111 with tyrosine.
Molecular consequence: missense variant. On other transcripts: non-coding transcript variant (2).
Genome position (GRCh38, 1-based): chr9:14,805,096, G>A on the plus strand (C>T on the coding strand, the complement: FREM1 is on the minus strand). VCF-style: chr9-14805096-G-A. GRCh37 (hg19) VCF-style: chr9-14805094-G-A.
Other names: c.3331C>T, p.His1111Tyr (NM_144966.7); short protein forms H1111Y.
Identifiers: ClinVar variation 721079 (VCV000721079.43), dbSNP rs200339767, ClinGen allele CA4990595.

ClinVar aggregate classification (germline): Conflicting classifications of pathogenicity. Review status: criteria provided, conflicting classifications (1 of 4 stars). 5 submissions from 5 submitters: Uncertain significance (1); Likely benign (3). 1 of the submissions does not count toward it. Last evaluated 2025-09-28.

Conditions:
FREM1-related disorder. Also called: FREM1-Related Disorders; FREM1-related condition.
Oculotrichoanal syndrome (MOTA). Also called: Manitoba Oculotrichoanal (MOTA) Syndrome; MARLES SYNDROME. Identifiers: Orphanet 2717, MedGen C1855425, MONDO:0009560, OMIM 248450.

Allele frequency attached by ClinVar (database versions not stated): gnomAD 0.00068 and 0.00078; TOPMed 0.00075; 1000 Genomes Project 0.00080; ESP Exome Variant Server 0.00082; 1000 Genomes Project 30x 0.00094; gnomAD exomes 0.00111 and 0.00123; ExAC 0.00115.
gnomAD v4.1: 1,925 of 1,612,190 alleles (0.12%); highest among the groups gnomAD compares: Middle Eastern, 0.53%; 7 homozygotes.

Submissions (5):

Labcorp Genetics (formerly Invitae), Labcorp
Classification: Likely benign. Last evaluated: 2025-09-28. Review status: criteria provided, single submitter. Criteria: Invitae Variant Classification Sherloc (09022015). Collection method: clinical testing. Allele origin: germline.

Blueprint Genetics
Classification: Likely benign. Last evaluated: 2024-11-26. Review status: criteria provided, single submitter. Criteria: ACMG Guidelines, 2015. Collection method: clinical testing. Allele origin: germline.

CeGaT Center for Human Genetics Tuebingen
Classification: Likely benign. Last evaluated: 2022-11-01. Review status: criteria provided, single submitter. Criteria: CeGaT Center For Human Genetics Tuebingen Variant Classification Criteria Version 2. Collection method: clinical testing. Allele origin: germline. Affected: yes. Observed: 1 variant allele.
Comment: FREM1: BS2

Illumina Laboratory Services, Illumina
Classification: Uncertain significance for Oculotrichoanal syndrome. Last evaluated: 2018-01-12. Review status: criteria provided, single submitter. Criteria: ICSL Variant Classification Criteria 13 December 2019. Collection method: clinical testing. Allele origin: germline.

PreventionGenetics, part of Exact Sciences
Classification: Likely benign for FREM1-related condition. Last evaluated: 2020-11-04. Review status: no assertion criteria provided. Collection method: clinical testing. Allele origin: germline. Not counted in ClinVar's aggregate classification.
Comment: This variant is classified as likely benign based on ACMG/AMP sequence variant interpretation guidelines (Richards et al. 2015 PMID: 25741868, with internal and published modifications).